The following is an entry in ClinVar:

NM_001374353.1(GLI2):c.4591dup (p.Arg1531fs)

Gene: GLI2 (GLI family zinc finger 2; plus strand). Cytogenetic location: 2q14.2.
Variant type: Duplication.
Coding change: c.4591dup on transcript NM_001374353.1 (MANE Select); coding-DNA position 4591, one base duplicated (C; older notation c.4591dupC).
Protein change: p.Arg1531fs; shifts the reading frame from arginine 1531.
Molecular consequence: frameshift variant.
Genome position (GRCh38, 1-based): chr2:120,990,556, C duplicated; the last of 6 consecutive C bases (chr2:120,990,551-120,990,556); duplicating any one gives the same sequence. VCF-style (leftmost placement, unchanged base first): chr2-120990550-A-AC. GRCh37 (hg19) VCF-style: chr2-121748126-A-AC.
Other names: c.4642dup, p.Arg1548fs (NM_001371271.1, NM_005270.5); c.4216dup, p.Arg1406fs (NM_001374354.1); short protein forms R1406fs, R1531fs, R1548fs.
Identifiers: ClinVar variation 3600868 (VCV003600868.1).
Genomic context (GRCh38, chr2:120,990,550, plus strand): 5'-TCGGGTGCTCTGAGCCCCAGCCTCCTCCACAGCCTCTCCCAGAACTCCTCCCGCCTCACC[A>AC]CCCCCCGAAACTCCTTGACCCTGCCCTCCATCCCCGCAGGCATCAGCAACATGGCTGTCG-3'

ClinVar aggregate classification (germline): Uncertain significance (1 of 4 stars; one submission).

Submission:

GeneDx
Classification: Uncertain significance. Last evaluated: 2024-07-23. Review status: criteria provided, single submitter. Criteria: GeneDx Variant Classification Process June 2021. Collection method: clinical testing. Allele origin: germline. Affected: yes.
Comment: Not observed at significant frequency in large population cohorts (gnomAD); Frameshift variant predicted to result in abnormal protein length as the last 39 amino acids are replaced with 73 different amino acids; Has not been previously published as pathogenic or benign to our knowledge